The following is an entry in ClinVar:

NM_001367624.2(ZNF469):c.8064C>T (p.Asp2688=)

Gene: ZNF469 (zinc finger protein 469; plus strand). Cytogenetic location: 16q24.2.
Variant type: single nucleotide variant.
Coding change: c.8064C>T on transcript NM_001367624.2 (MANE Select); coding-DNA position 8064, C replaced by T.
Protein change: p.Asp2688=; no amino-acid change (aspartic acid 2688 retained).
Molecular consequence: synonymous variant.
Genome position (GRCh38, 1-based): chr16:88,435,534, C>T. VCF-style: chr16-88435534-C-T. GRCh37 (hg19) VCF-style: chr16-88501942-C-T.
Other names: NM_001127464.1:c.7980C>T; NM_001127464.2:c.7980C>T.
Identifiers: ClinVar variation 508242 (VCV000508242.22), dbSNP rs558108271, ClinGen allele CA8225304.

ClinVar aggregate classification (germline): Conflicting classifications of pathogenicity. Review status: criteria provided, conflicting classifications (1 of 4 stars). 9 submissions from 9 submitters: Uncertain significance (1); Benign (2); Likely benign (5). 1 of the submissions does not count toward it. Last evaluated 2026-04-06.

Conditions:
ZNF469-related disorder. Also called: ZNF469-related condition.
Cardiovascular phenotype. Identifiers: MedGen CN230736.
Ehlers-Danlos syndrome (EDS). Identifiers: Orphanet 98249, MedGen C0013720, MONDO:0020066.
Brittle cornea syndrome 1 (BCS1). Also called: Corneal fragility keratoglobus, blue sclerae AND joint hypermobility; CORNEAL FRAGILITY, KERATOGLOBUS, BLUE SCLERAE, JOINT HYPEREXTENSIBILITY; EDS6B; FRAGILITAS OCULI WITH JOINT HYPEREXTENSIBILITY; DYSGENESIS MESODERMALIS CORNEAE ET SCLERAE. Identifiers: Orphanet 90354, MedGen C0268344, MONDO:0024543, OMIM 229200.

Allele frequency attached by ClinVar (database versions not stated): gnomAD exomes 0.00017 and 0.00040; 1000 Genomes Project 0.00060; 1000 Genomes Project 30x 0.00062; ExAC 0.00088; gnomAD 0.00185 and 0.00208; TOPMed 0.00201.
gnomAD v4.1: 527 of 1,549,466 alleles (0.034%); highest among the groups gnomAD compares: African/African-American, 0.6%; 1 homozygote.

Submissions (9):

Women's Health and Genetics/Laboratory Corporation of America, LabCorp
Classification: Likely benign. Last evaluated: 2026-04-06. Review status: criteria provided, single submitter. Criteria: LabCorp Variant Classification Summary - May 2015. Collection method: clinical testing. Allele origin: germline.

Labcorp Genetics (formerly Invitae), Labcorp
Classification: Benign. Last evaluated: 2026-01-25. Review status: criteria provided, single submitter. Criteria: Invitae Variant Classification Sherloc (09022015). Collection method: clinical testing. Allele origin: germline.

Blueprint Genetics
Classification: Likely benign. Last evaluated: 2024-10-31. Review status: criteria provided, single submitter. Criteria: ACMG Guidelines, 2015. Collection method: clinical testing. Allele origin: germline.

Fulgent Genetics
Classification: Likely benign for Brittle cornea syndrome 1. Last evaluated: 2021-12-30. Review status: criteria provided, single submitter. Criteria: ACMG Guidelines, 2015. Collection method: clinical testing. Allele origin: unknown.

Genome-Nilou Lab
Classification: Benign for Brittle cornea syndrome 1. Last evaluated: 2021-12-05. Review status: criteria provided, single submitter. Criteria: ACMG Guidelines, 2015. Collection method: clinical testing. Allele origin: germline. Affected: no.

Ambry Genetics
Classification: Likely benign for Cardiovascular phenotype. Last evaluated: 2020-09-30. Review status: criteria provided, single submitter. Criteria: Ambry Variant Classification Scheme 2023. Collection method: clinical testing. Allele origin: germline.

GeneDx
Classification: Likely benign. Last evaluated: 2020-05-15. Review status: criteria provided, single submitter. Criteria: GeneDx Variant Classification Process June 2021. Collection method: clinical testing. Allele origin: germline. Affected: yes.

Genome Diagnostics Laboratory, The Hospital for Sick Children
Classification: Uncertain significance for Ehlers-Danlos syndrome. Last evaluated: 2019-06-01. Review status: criteria provided, single submitter. Criteria: ACMG Guidelines, 2015. Collection method: clinical testing. Allele origin: germline.

PreventionGenetics, part of Exact Sciences
Classification: Benign for ZNF469-related condition. Last evaluated: 2019-05-02. Review status: no assertion criteria provided. Collection method: clinical testing. Allele origin: germline. Not counted in ClinVar's aggregate classification.
Comment: This variant is classified as benign based on ACMG/AMP sequence variant interpretation guidelines (Richards et al. 2015 PMID: 25741868, with internal and published modifications).